The following is an entry in ClinVar:

ClinVar aggregate classification (germline): Likely benign. Review status: criteria provided, multiple submitters, no conflicts (2 of 4 stars). 3 submissions from 3 submitters: Likely benign (3). Last evaluated 2025-10-29.

Conditions:
JPH2-related disorder. Also called: JPH2-related condition.
Cardiovascular phenotype. Identifiers: MedGen CN230736.
Hypertrophic cardiomyopathy. Also called: HYPERTROPHIC MYOCARDIOPATHY. Identifiers: Orphanet 217569, MedGen C0007194, MeSH D002312, MONDO:0005045, HP:0001639.

Allele frequency attached by ClinVar (database versions not stated): gnomAD exomes 0.00003.
gnomAD v4.1: 32 of 1,425,266 alleles (0.0022%); highest among the groups gnomAD compares: Non-Finnish European, 0.0027%; no homozygotes.

Submissions (3):

PreventionGenetics, part of Exact Sciences
Classification: Likely benign for JPH2-related condition. Last evaluated: 2025-10-29. Review status: criteria provided, single submitter. Criteria: ACMG Guidelines, 2015. Collection method: clinical testing. Allele origin: germline.
Comment: This variant is classified as likely benign based on ACMG/AMP sequence variant interpretation guidelines (Richards et al. 2015 PMID: 25741868, with internal and published modifications).

Labcorp Genetics (formerly Invitae), Labcorp
Classification: Likely benign for Hypertrophic cardiomyopathy. Last evaluated: 2022-10-04. Review status: criteria provided, single submitter. Criteria: Invitae Variant Classification Sherloc (09022015). Collection method: clinical testing. Allele origin: germline.

Ambry Genetics
Classification: Likely benign for Cardiovascular phenotype. Last evaluated: 2019-09-16. Review status: criteria provided, single submitter. Criteria: Ambry Variant Classification Scheme 2023. Collection method: clinical testing. Allele origin: germline.

NM_020433.5(JPH2):c.630G>T (p.Ala210=)

Gene: JPH2 (junctophilin 2; minus strand). Cytogenetic location: 20q13.12.
Variant type: single nucleotide variant.
Coding change: c.630G>T on transcript NM_020433.5 (MANE Select); coding-DNA position 630, G replaced by T.
Protein change: p.Ala210=; no amino-acid change (alanine 210 retained).
Molecular consequence: synonymous variant.
Genome position (GRCh38, 1-based): chr20:44,160,157, C>A on the plus strand (G>T on the coding strand, the complement: JPH2 is on the minus strand). VCF-style: chr20-44160157-C-A. GRCh37 (hg19) VCF-style: chr20-42788797-C-A.
Identifiers: ClinVar variation 1752794 (VCV001752794.8), dbSNP rs1171848433, ClinGen allele CA510739496.